The following is an entry in ClinVar:

NM_024652.6(LRRK1):c.1133G>C (p.Gly378Ala)

Gene: LRRK1 (leucine rich repeat kinase 1; plus strand). Cytogenetic location: 15q26.3.
Variant type: single nucleotide variant.
Coding change: c.1133G>C on transcript NM_024652.6 (MANE Select); coding-DNA position 1133, G replaced by C.
Protein change: p.Gly378Ala; replaces glycine 378 with alanine.
Molecular consequence: missense variant.
Genome position (GRCh38, 1-based): chr15:101,010,689, G>C. VCF-style: chr15-101010689-G-C. GRCh37 (hg19) VCF-style: chr15-101550894-G-C.
Other names: short protein forms G378A.
Identifiers: ClinVar variation 1354298 (VCV001354298.5), dbSNP rs200469257, ClinGen allele CA7760809.

ClinVar aggregate classification (germline): Uncertain significance (1 of 4 stars; one submission).

Allele frequency attached by ClinVar (database versions not stated): gnomAD 0.00001; gnomAD exomes 0.00002 and 0.00004; ExAC 0.00004.
gnomAD v4.1: 59 of 1,606,706 alleles (0.0037%); highest among the groups gnomAD compares: Non-Finnish European, 0.0048%; no homozygotes.

Submission:

Labcorp Genetics (formerly Invitae), Labcorp
Classification: Uncertain significance. Last evaluated: 2022-06-29. Review status: criteria provided, single submitter. Criteria: Invitae Variant Classification Sherloc (09022015). Collection method: clinical testing. Allele origin: germline.
Comment: This sequence change replaces glycine, which is neutral and non-polar, with alanine, which is neutral and non-polar, at codon 378 of the LRRK1 protein (p.Gly378Ala). This variant is present in population databases (rs200469257, gnomAD 0.005%). This variant has not been reported in the literature in individuals affected with LRRK1-related conditions. Algorithms developed to predict the effect of missense changes on protein structure and function are either unavailable or do not agree on the potential impact of this missense change (SIFT: "Tolerated"; PolyPhen-2: "Probably Damaging"; Align-GVGD: "Class C0"). In summary, the available evidence is currently insufficient to determine the role of this variant in disease. Therefore, it has been classified as a Variant of Uncertain Significance.